The following is an entry in ClinVar:

ClinVar aggregate classification (germline): Uncertain significance (1 of 4 stars; one submission).

Allele frequency attached by ClinVar (database versions not stated): gnomAD exomes 0.00001.

Submission:

Labcorp Genetics (formerly Invitae), Labcorp
Classification: Uncertain significance. Last evaluated: 2022-04-16. Review status: criteria provided, single submitter. Criteria: Invitae Variant Classification Sherloc (09022015). Collection method: clinical testing. Allele origin: germline.
Comment: This sequence change replaces valine, which is neutral and non-polar, with methionine, which is neutral and non-polar, at codon 126 of the C17orf62 protein (p.Val126Met). This variant is present in population databases (no rsID available, gnomAD 0.003%). This variant has not been reported in the literature in individuals affected with C17orf62-related conditions. Algorithms developed to predict the effect of missense changes on protein structure and function are either unavailable or do not agree on the potential impact of this missense change (SIFT: "Deleterious"; PolyPhen-2: "Possibly Damaging"; Align-GVGD: "Class C0"). In summary, the available evidence is currently insufficient to determine the role of this variant in disease. Therefore, it has been classified as a Variant of Uncertain Significance.

NM_001033046.4(CYBC1):c.376G>A (p.Val126Met)

Gene: CYBC1 (cytochrome b-245 chaperone 1; minus strand). Cytogenetic location: 17q25.3.
Variant type: single nucleotide variant.
Coding change: c.376G>A on transcript NM_001033046.4 (MANE Select); coding-DNA position 376, G replaced by A.
Protein change: p.Val126Met; replaces valine 126 with methionine.
Molecular consequence: missense variant. On other transcripts: non-coding transcript variant (4).
Genome position (GRCh38, 1-based): chr17:82,444,514, C>T on the plus strand (G>A on the coding strand, the complement: CYBC1 is on the minus strand). VCF-style: chr17-82444514-C-T. GRCh37 (hg19) VCF-style: chr17-80402390-C-T.
Other names: c.376G>A, p.Val126Met (NM_001100407.3, NM_001193653.2, NM_001193654.2 and 2 more transcripts); c.334G>A, p.Val112Met (NM_001100408.3); short protein forms V126M, V112M.
Identifiers: ClinVar variation 2127079 (VCV002127079.4), dbSNP rs1272301370, ClinGen allele CA401608356.
Genomic context (GRCh38, chr17:82,444,514, plus strand): 5'-GGCCCATGACTGCACTCTGCGTGAGGGGGTGGGAGAAGCCCGTCGCAAGCCGGAGCACCA[C>T]CATGTAGCCTTTCCCGAAGTACCGGACCTTCTCCTCCTCCACGCTCACATCACGGACATC-3'
Protein context (NP_001028218.1, residues 116-136): KVRYFGKGYM[Val126Met]VLRLATGFSH